The following is an entry in ClinVar:

ClinVar aggregate classification (germline): Uncertain significance (1 of 4 stars; one submission).

Conditions:
Lissencephaly due to TUBA1A mutation (CDCBM16). Also called: Lissencephaly 3; CORTICAL DYSPLASIA, COMPLEX, WITH OTHER BRAIN MALFORMATIONS 16. Identifiers: Orphanet 171680, MedGen C4305153, MONDO:0012703, OMIM 611603.

Submission:

Broad Center for Mendelian Genomics, Broad Institute of MIT and Harvard
Classification: Uncertain significance for Lissencephaly due to TUBA1A mutation. Last evaluated: 2024-05-22. Review status: criteria provided, single submitter. Criteria: ACMG Guidelines, 2015. Collection method: curation. Allele origin: germline. Inheritance: Autosomal dominant inheritance.
Comment: Trio exome analysis showed this variant to be de novo. The variant has not been previously reported in individuals with lissencephaly 3, and was absent from large population studies. Computational prediction tools and conservation analyses do not provide strong support for or against an impact to the protein. The number of missense variants reported in TUBA1A in the general population is lower than expected, suggesting there is little benign variation in this gene and slightly increasing the possibility that a missense variant in this gene may not be tolerated. In summary, the clinical significance of the p.Ala65Gly variant is uncertain. ACMG/AMP Criteria applied: PS2_Supporting, PP2, PM2_Supporting (Richards 2015).

NM_006009.4(TUBA1A):c.194C>G (p.Ala65Gly)

Gene: TUBA1A (tubulin alpha 1a; minus strand). Cytogenetic location: 12q13.12.
Variant type: single nucleotide variant.
Coding change: c.194C>G on transcript NM_006009.4 (MANE Select); coding-DNA position 194, C replaced by G.
Protein change: p.Ala65Gly; replaces alanine 65 with glycine.
Molecular consequence: missense variant.
Genome position (GRCh38, 1-based): chr12:49,186,643, G>C on the plus strand (C>G on the coding strand, the complement: TUBA1A is on the minus strand). VCF-style: chr12-49186643-G-C. GRCh37 (hg19) VCF-style: chr12-49580426-G-C.
Other names: NM_001270400.2:c.89C>G; c.194C>G, p.Ala65Gly (NM_001270399.2); c.89C>G, p.Ala30Gly (NM_001270400.2); short protein forms A30G, A65G.
Identifiers: ClinVar variation 3236671 (VCV003236671.1), dbSNP rs2498863291, ClinGen allele CA384644852.
Genomic context (GRCh38, chr12:49,186,643, plus strand): 5'-CTCACTTGGGTTACTGAGGTCAACTCACCAATGACTGTGGGTTCCAAGTCTACAAACACT[G>C]CCCGGGGCACATGCTTGCCAGCCCCCGTCTCACTGAAGAAGGTGTTGAAGGAATCATCTC-3'
Protein context (NP_006000.2, residues 55-75): ETGAGKHVPR[Ala65Gly]VFVDLEPTVI